The following is an entry in ClinVar:

ClinVar aggregate classification (germline): Uncertain significance. Review status: criteria provided, multiple submitters, no conflicts (2 of 4 stars). 2 submissions from 2 submitters: Uncertain significance (2). Last evaluated 2024-07-30.

Allele frequency attached by ClinVar (database versions not stated): TOPMed 0.00006; ESP Exome Variant Server 0.00008; gnomAD 0.00008; 1000 Genomes Project 30x 0.00016; ExAC 0.00020.

Submissions (2):

GeneDx
Classification: Uncertain significance. Last evaluated: 2024-07-30. Review status: criteria provided, single submitter. Criteria: GeneDx Variant Classification Process June 2021. Collection method: clinical testing. Allele origin: germline. Affected: yes.
Comment: In silico analysis indicates that this missense variant does not alter protein structure/function; Has not been previously published as pathogenic or benign to our knowledge

Labcorp Genetics (formerly Invitae), Labcorp
Classification: Uncertain significance. Last evaluated: 2022-07-27. Review status: criteria provided, single submitter. Criteria: Invitae Variant Classification Sherloc (09022015). Collection method: clinical testing. Allele origin: germline.
Comment: This sequence change replaces arginine, which is basic and polar, with histidine, which is basic and polar, at codon 472 of the LTBP4 protein (p.Arg472His). This variant is present in population databases (rs186406605, gnomAD 0.08%). This variant has not been reported in the literature in individuals affected with LTBP4-related conditions. Experimental studies and prediction algorithms are not available or were not evaluated, and the functional significance of this variant is currently unknown. In summary, the available evidence is currently insufficient to determine the role of this variant in disease. Therefore, it has been classified as a Variant of Uncertain Significance.

NM_001042545.2(LTBP4):c.1325G>A (p.Arg442His)

Gene: LTBP4 (latent transforming growth factor beta binding protein 4; plus strand). Cytogenetic location: 19q13.2.
Variant type: single nucleotide variant.
Coding change: c.1325G>A on transcript NM_001042545.2 (MANE Select); coding-DNA position 1325, G replaced by A.
Protein change: p.Arg442His; replaces arginine 442 with histidine.
Molecular consequence: missense variant.
Genome position (GRCh38, 1-based): chr19:40,608,502, G>A. VCF-style: chr19-40608502-G-A. GRCh37 (hg19) VCF-style: chr19-41114408-G-A.
Other names: c.1526G>A, p.Arg509His (NM_001042544.1); c.1415G>A, p.Arg472His (NM_003573.2); short protein forms R472H, R442H, R509H.
Identifiers: ClinVar variation 2062985 (VCV002062985.2), dbSNP rs186406605, ClinGen allele CA9448272.